The following is an entry in ClinVar:

ClinVar aggregate classification (germline): Uncertain significance. Review status: criteria provided, multiple submitters, no conflicts (2 of 4 stars). 2 submissions from 2 submitters: Uncertain significance (2). Last evaluated 2024-01-02.

Allele frequency attached by ClinVar (database versions not stated): ExAC 0.00002.
gnomAD v4.1: 11 of 1,613,944 alleles (0.00068%); highest among the groups gnomAD compares: Admixed American, 0.0033%; no homozygotes.

Submissions (2):

Ambry Genetics
Classification: Uncertain significance. Last evaluated: 2024-01-02. Review status: criteria provided, single submitter. Criteria: Ambry Variant Classification Scheme 2023. Collection method: clinical testing. Allele origin: germline.

Labcorp Genetics (formerly Invitae), Labcorp
Classification: Uncertain significance. Last evaluated: 2022-08-21. Review status: criteria provided, single submitter. Criteria: Invitae Variant Classification Sherloc (09022015). Collection method: clinical testing. Allele origin: germline.
Comment: This sequence change replaces glutamine, which is neutral and polar, with histidine, which is basic and polar, at codon 1432 of the CCDC88A protein (p.Gln1432His). This variant is present in population databases (rs113209169, gnomAD 0.009%). This variant has not been reported in the literature in individuals affected with CCDC88A-related conditions. Algorithms developed to predict the effect of missense changes on protein structure and function (SIFT, PolyPhen-2, Align-GVGD) all suggest that this variant is likely to be tolerated. In summary, the available evidence is currently insufficient to determine the role of this variant in disease. Therefore, it has been classified as a Variant of Uncertain Significance.

NM_001365480.1(CCDC88A):c.4299G>C (p.Gln1433His)

Gene: CCDC88A (coiled-coil domain containing 88A; minus strand). Cytogenetic location: 2p16.1.
Variant type: single nucleotide variant.
Coding change: c.4299G>C on transcript NM_001365480.1 (MANE Select); coding-DNA position 4299, G replaced by C.
Protein change: p.Gln1433His; replaces glutamine 1433 with histidine.
Molecular consequence: missense variant.
Genome position (GRCh38, 1-based): chr2:55,308,897, C>G on the plus strand (G>C on the coding strand, the complement: CCDC88A is on the minus strand). VCF-style: chr2-55308897-C-G. GRCh37 (hg19) VCF-style: chr2-55536033-C-G.
Other names: c.4296G>C, p.Gln1432His (NM_001135597.2, NM_001254943.2); c.4299G>C, p.Gln1433His (NM_018084.5); c.4296G>C (NM_001135597.1); short protein forms Q1433H, Q1432H.
Identifiers: ClinVar variation 1918607 (VCV001918607.3), dbSNP rs113209169, ClinGen allele CA1665601.